The following is an entry in ClinVar:

NC_000012.11:g.(?_49578793)_(49676010_?)dup

Genes: TUBA1A (tubulin alpha 1a; minus strand), TUBA1C (tubulin alpha 1c; plus strand). Cytogenetic location: 12q13.12.
Variant type: Duplication.
Identifiers: ClinVar variation 2425458 (VCV002425458.3).

ClinVar aggregate classification (germline): Uncertain significance (1 of 4 stars; one submission).

Submission:

Labcorp Genetics (formerly Invitae), Labcorp
Classification: Uncertain significance. Last evaluated: 2023-09-24. Review status: criteria provided, single submitter. Criteria: Invitae Variant Classification Sherloc (09022015). Collection method: clinical testing. Allele origin: germline.
Comment: A copy number gain of the genomic region encompassing the full coding sequence of the TUBA1A gene has been identified. The boundaries of this event are unknown as they extend beyond the assayed region for this gene and therefore may encompass additional genes. As the precise location of this event is unknown, it may be in tandem or it may be located elsewhere in the genome. This variant has not been reported in the literature in individuals affected with TUBA1A-related conditions. Experimental studies and prediction algorithms are not available or were not evaluated, and the functional significance of this variant is currently unknown. In summary, the available evidence is currently insufficient to determine the role of this variant in disease. Therefore, it has been classified as a Variant of Uncertain Significance.